The following is an entry in ClinVar:

NM_000152.5(GAA):c.310G>A (p.Glu104Lys)

Gene: GAA (alpha glucosidase; plus strand). Cytogenetic location: 17q25.3.
Variant type: single nucleotide variant.
Coding change: c.310G>A on transcript NM_000152.5 (MANE Select); coding-DNA position 310, G replaced by A.
Protein change: p.Glu104Lys; replaces glutamic acid 104 with lysine.
Molecular consequence: missense variant.
Genome position (GRCh38, 1-based): chr17:80,104,896, G>A. VCF-style: chr17-80104896-G-A. GRCh37 (hg19) VCF-style: chr17-78078695-G-A.
Other names: c.310G>A, p.Glu104Lys (NM_001079803.3, NM_001079804.3); c.310G>A (LRG_673t1); short protein forms E104K.
Identifiers: ClinVar variation 498906 (VCV000498906.17), dbSNP rs201902338, ClinGen allele CA8814846.

ClinVar aggregate classification (germline): Uncertain significance. Review status: criteria provided, multiple submitters, no conflicts (2 of 4 stars). 5 submissions from 5 submitters: Uncertain significance (4). 1 of the submissions does not count toward it. Last evaluated 2022-09-06.

Conditions:
Glycogen storage disease, type II (IOPD). Also called: Pompe Disease; POMPE DISEASE, INFANTILE-ONSET; GLYCOGEN STORAGE DISEASE II, INFANTILE-ONSET; ACID ALPHA-GLUCOSIDASE DEFICIENCY, INFANTILE-ONSET; GAA DEFICIENCY, INFANTILE-ONSET; ACID MALTASE DEFICIENCY, INFANTILE-ONSET. Identifiers: Orphanet 365, MedGen C0017921, MONDO:0009290, OMIM 232300.

Allele frequency attached by ClinVar (database versions not stated): TOPMed 0.00002; 1000 Genomes Project 30x 0.00031.
gnomAD v4.1: 24 of 1,612,628 alleles (0.0015%); highest among the groups gnomAD compares: African/African-American, 0.012%; no homozygotes.

Submissions (5):

Labcorp Genetics (formerly Invitae), Labcorp
Classification: Uncertain significance for Glycogen storage disease, type II. Last evaluated: 2022-09-06. Review status: criteria provided, single submitter. Criteria: Invitae Variant Classification Sherloc (09022015). Collection method: clinical testing. Allele origin: germline.
Comment: This sequence change replaces glutamic acid, which is acidic and polar, with lysine, which is basic and polar, at codon 104 of the GAA protein (p.Glu104Lys). The frequency data for this variant in the population databases is considered unreliable, as metrics indicate poor data quality at this position in the gnomAD database. This variant has not been reported in the literature in individuals affected with GAA-related conditions. ClinVar contains an entry for this variant (Variation ID: 498906). Advanced modeling of protein sequence and biophysical properties (such as structural, functional, and spatial information, amino acid conservation, physicochemical variation, residue mobility, and thermodynamic stability) performed at Invitae indicates that this missense variant is not expected to disrupt GAA protein function. In summary, the available evidence is currently insufficient to determine the role of this variant in disease. Therefore, it has been classified as a Variant of Uncertain Significance.

Fulgent Genetics
Classification: Uncertain significance for Glycogen storage disease, type II. Last evaluated: 2021-10-05. Review status: criteria provided, single submitter. Criteria: ACMG Guidelines, 2015. Collection method: clinical testing. Allele origin: unknown.

Genome-Nilou Lab
Classification: Uncertain significance for Glycogen storage disease, type II. Last evaluated: 2021-09-05. Review status: criteria provided, single submitter. Criteria: ACMG Guidelines, 2015. Collection method: clinical testing. Allele origin: germline. Affected: no.

Eurofins Ntd Llc (ga)
Classification: Uncertain significance. Last evaluated: 2016-12-25. Review status: criteria provided, single submitter. Criteria: EGL Classification Definitions 2015. Collection method: clinical testing. Allele origin: germline. Observed: 1 variant allele, 1 heterozygote.

Natera, Inc.
Classification: Uncertain significance for Glycogen storage disease type II. Last evaluated: 2020-03-24. Review status: no assertion criteria provided. Collection method: clinical testing. Allele origin: germline. Not counted in ClinVar's aggregate classification.